The following is an entry in ClinVar:

NM_004230.4(S1PR2):c.944G>A (p.Arg315Gln)

Gene: S1PR2 (sphingosine-1-phosphate receptor 2; minus strand). Cytogenetic location: 19p13.2.
Variant type: single nucleotide variant.
Coding change: c.944G>A on transcript NM_004230.4 (MANE Select); coding-DNA position 944, G replaced by A.
Protein change: p.Arg315Gln; replaces arginine 315 with glutamine.
Molecular consequence: missense variant.
Genome position (GRCh38, 1-based): chr19:10,223,962, C>T on the plus strand (G>A on the coding strand, the complement: S1PR2 is on the minus strand). VCF-style: chr19-10223962-C-T. GRCh37 (hg19) VCF-style: chr19-10334638-C-T.
Other names: short protein forms R315Q.
Identifiers: ClinVar variation 1301201 (VCV001301201.7), dbSNP rs777226501, ClinGen allele CA9188973.
Genomic context (GRCh38, chr19:10,223,962, plus strand): 5'-TCCAGGGAGCTGGAGCTGCGGAGTGGCAGGAGGTGGTGGCCCGGGGTCCCGCCCCGCCTC[C>T]GTCCTTGCACCCCCACCCCCGGCCTCCAGCACTGCAGCGGCCGAAGCACCTCCCGCCGCA-3'
Protein context (NP_004221.3, residues 305-325): CWRPGVGVQG[Arg315Gln]RRGGTPGHHL

ClinVar aggregate classification (germline): Uncertain significance. Review status: criteria provided, multiple submitters, no conflicts (2 of 4 stars). 3 submissions from 3 submitters: Uncertain significance (3). Last evaluated 2025-06-03.

Conditions:
Inborn genetic diseases. Identifiers: MedGen C0950123, MeSH D030342.

Allele frequency attached by ClinVar (database versions not stated): ExAC 0.00006; gnomAD exomes 0.00002 and 0.00009; TOPMed 0.00007; gnomAD 0.00007.
gnomAD v4.1: 45 of 1,608,004 alleles (0.0028%); highest among the groups gnomAD compares: Admixed American, 0.044%; no homozygotes.

Submissions (3):

GeneDx
Classification: Uncertain significance. Last evaluated: 2025-06-03. Review status: criteria provided, single submitter. Criteria: GeneDx Variant Classification Process June 2021. Collection method: clinical testing. Allele origin: germline. Affected: yes.
Comment: In silico analysis supports that this missense variant does not alter protein structure/function; Has not been previously published as pathogenic or benign to our knowledge

Ambry Genetics
Classification: Uncertain significance for Inborn genetic diseases. Last evaluated: 2024-08-28. Review status: criteria provided, single submitter. Criteria: Ambry Variant Classification Scheme 2023. Collection method: clinical testing. Allele origin: germline.

Labcorp Genetics (formerly Invitae), Labcorp
Classification: Uncertain significance. Last evaluated: 2022-08-03. Review status: criteria provided, single submitter. Criteria: Invitae Variant Classification Sherloc (09022015). Collection method: clinical testing. Allele origin: germline.
Comment: This sequence change replaces arginine, which is basic and polar, with glutamine, which is neutral and polar, at codon 315 of the S1PR2 protein (p.Arg315Gln). This variant is present in population databases (rs777226501, gnomAD 0.05%). This variant has not been reported in the literature in individuals affected with S1PR2-related conditions. ClinVar contains an entry for this variant (Variation ID: 1301201). Algorithms developed to predict the effect of missense changes on protein structure and function (SIFT, PolyPhen-2, Align-GVGD) all suggest that this variant is likely to be tolerated. In summary, the available evidence is currently insufficient to determine the role of this variant in disease. Therefore, it has been classified as a Variant of Uncertain Significance.